The following is an entry in ClinVar:

ClinVar aggregate classification (germline): Uncertain significance. Review status: criteria provided, multiple submitters, no conflicts (2 of 4 stars). 2 submissions from 2 submitters: Uncertain significance (2). Last evaluated 2025-12-08.

Conditions:
Inborn genetic diseases. Identifiers: MedGen C0950123, MeSH D030342.

Submissions (2):

Ambry Genetics
Classification: Uncertain significance for Inborn genetic diseases. Last evaluated: 2025-12-08. Review status: criteria provided, single submitter. Criteria: Ambry Variant Classification Scheme 2023. Collection method: clinical testing. Allele origin: germline.

Labcorp Genetics (formerly Invitae), Labcorp
Classification: Uncertain significance. Last evaluated: 2024-02-24. Review status: criteria provided, single submitter. Criteria: Invitae Variant Classification Sherloc (09022015). Collection method: clinical testing. Allele origin: germline.
Comment: This sequence change replaces serine, which is neutral and polar, with isoleucine, which is neutral and non-polar, at codon 300 of the RDH5 protein (p.Ser300Ile). This variant is not present in population databases (gnomAD no frequency). This variant has not been reported in the literature in individuals affected with RDH5-related conditions. ClinVar contains an entry for this variant (Variation ID: 1352974). Advanced modeling of protein sequence and biophysical properties (such as structural, functional, and spatial information, amino acid conservation, physicochemical variation, residue mobility, and thermodynamic stability) performed at Invitae indicates that this missense variant is not expected to disrupt RDH5 protein function with a negative predictive value of 80%. In summary, the available evidence is currently insufficient to determine the role of this variant in disease. Therefore, it has been classified as a Variant of Uncertain Significance.

NM_002905.5(RDH5):c.899G>T (p.Ser300Ile)

Genes: RDH5 (retinol dehydrogenase 5; plus strand), BLOC1S1-RDH5 (BLOC1S1-RDH5 readthrough; plus strand), CD63 (CD63 molecule; minus strand). Cytogenetic location: 12q13.2.
Variant type: single nucleotide variant.
Coding change: c.899G>T on transcript NM_002905.5 (MANE Select); coding-DNA position 899, G replaced by T.
Protein change: p.Ser300Ile; replaces serine 300 with isoleucine.
Molecular consequence: missense variant. On other transcripts: non-coding transcript variant (1).
Genome position (GRCh38, 1-based): chr12:55,724,487, G>T. VCF-style: chr12-55724487-G-T. GRCh37 (hg19) VCF-style: chr12-56118271-G-T.
Other names: c.899G>T, p.Ser300Ile (NM_001199771.3); c.899G>T (NM_002905.3); short protein forms S300I.
Identifiers: ClinVar variation 1352974 (VCV001352974.7), dbSNP rs2136143199, ClinGen allele CA385203797.
Genomic context (GRCh38, chr12:55,724,487, plus strand): 5'-GCTACAGCCCAGGTTGGGATGCCAAGCTGCTCTGGCTGCCTGCCTCCTACCTGCCAGCCA[G>T]CCTGGTGGATGCTGTGCTCACCTGGGTCCTTCCCAAGCCTGCCCAAGCAGTCTACTGAAT-3'
Protein context (NP_002896.2, residues 290-310): LWLPASYLPA[Ser300Ile]LVDAVLTWVL